The following is an entry in ClinVar:

ClinVar aggregate classification (germline): Likely benign (0 of 4 stars; one submission).

Conditions:
ITGA9-related disorder. Also called: ITGA9-related condition.

Allele frequency attached by ClinVar (database versions not stated): gnomAD exomes 0.00004; TOPMed 0.00006; gnomAD 0.00007; ExAC 0.00008; ESP Exome Variant Server 0.00015.
gnomAD v4.1: 76 of 1,613,970 alleles (0.0047%); highest among the groups gnomAD compares: African/African-American, 0.004%; no homozygotes.

Submission:

PreventionGenetics, part of Exact Sciences
Classification: Likely benign for ITGA9-related condition. Last evaluated: 2019-07-23. Review status: no assertion criteria provided. Collection method: clinical testing. Allele origin: germline.
Comment: This variant is classified as likely benign based on ACMG/AMP sequence variant interpretation guidelines (Richards et al. 2015 PMID: 25741868, with internal and published modifications).

NM_002207.3(ITGA9):c.1416G>A (p.Pro472=)

Gene: ITGA9 (integrin subunit alpha 9; plus strand). Cytogenetic location: 3p22.2.
Variant type: single nucleotide variant.
Coding change: c.1416G>A on transcript NM_002207.3 (MANE Select); coding-DNA position 1416, G replaced by A.
Protein change: p.Pro472=; no amino-acid change (proline 472 retained).
Molecular consequence: synonymous variant.
Genome position (GRCh38, 1-based): chr3:37,533,356, G>A. VCF-style: chr3-37533356-G-A. GRCh37 (hg19) VCF-style: chr3-37574847-G-A.
Identifiers: ClinVar variation 3050680 (VCV003050680.2), dbSNP rs150327524, ClinGen allele CA2310788.